The following is an entry in ClinVar:

ClinVar aggregate classification (germline): Likely benign (0 of 4 stars; one submission).

Conditions:
GPRASP2-related disorder. Also called: GPRASP2-related condition.

Allele frequency attached by ClinVar (database versions not stated): gnomAD exomes 0.00011; ExAC 0.00034; 1000 Genomes Project 30x 0.00062; 1000 Genomes Project 0.00079; gnomAD 0.00098; TOPMed 0.00115; ESP Exome Variant Server 0.00142.
gnomAD v4.1: 242 of 1,210,440 alleles (0.02%); highest among the groups gnomAD compares: African/African-American, 0.35%; 1 homozygote.

Submission:

PreventionGenetics, part of Exact Sciences
Classification: Likely benign for GPRASP2-related condition. Last evaluated: 2023-12-07. Review status: no assertion criteria provided. Collection method: clinical testing. Allele origin: germline.
Comment: This variant is classified as likely benign based on ACMG/AMP sequence variant interpretation guidelines (Richards et al. 2015 PMID: 25741868, with internal and published modifications).

NM_001004051.4(GPRASP2):c.1636C>T (p.Pro546Ser)

Genes: ARMCX5-GPRASP2 (ARMCX5-GPRASP2 readthrough; plus strand), GPRASP2 (G protein-coupled receptor associated sorting protein 2; plus strand). Cytogenetic location: Xq22.1.
Variant type: single nucleotide variant.
Coding change: c.1636C>T on transcript NM_001004051.4 (MANE Select); coding-DNA position 1636, C replaced by T.
Protein change: p.Pro546Ser; replaces proline 546 with serine.
Molecular consequence: missense variant. On other transcripts: intron variant (3).
Genome position (GRCh38, 1-based): chrX:102,716,505, C>T. VCF-style: chrX-102716505-C-T. GRCh37 (hg19) VCF-style: chrX-101971433-C-T.
Other names: c.1636C>T, p.Pro546Ser (NM_001199818.1, NM_001184874.3, NM_001184875.3 and 2 more transcripts); c.-820+2239C>T (NM_001350268.2); c.-752+2239C>T (NM_001350269.2); c.-721+2239C>T (NM_001350270.1); short protein forms P546S.
Identifiers: ClinVar variation 3040462 (VCV003040462.2), dbSNP rs151097718, ClinGen allele CA10476588.